The following is an entry in ClinVar:

NM_000169.3(GLA):c.153G>T (p.Met51Ile)

Genes: GLA (galactosidase alpha; minus strand), RPL36A-HNRNPH2 (RPL36A-HNRNPH2 readthrough; plus strand). Cytogenetic location: Xq22.1.
Variant type: single nucleotide variant.
Coding change: c.153G>T on transcript NM_000169.3 (MANE Select); coding-DNA position 153, G replaced by T.
Protein change: p.Met51Ile; replaces methionine 51 with isoleucine.
Molecular consequence: missense variant. On other transcripts: non-coding transcript variant (3), intron variant (2).
Genome position (GRCh38, 1-based): chrX:101,407,751, C>A on the plus strand (G>T on the coding strand, the complement: GLA is on the minus strand). VCF-style: chrX-101407751-C-A. GRCh37 (hg19) VCF-style: chrX-100662739-C-A.
Other names: c.153G>T, p.Met51Ile (NM_001406747.1, NM_001406748.1, NM_001406749.1); c.301-4185C>A (NM_001199973.2); c.178-4185C>A (NM_001199974.2); short protein forms M51I.
Identifiers: ClinVar variation 222183 (VCV000222183.3), dbSNP rs869312255, ClinGen allele CA352950.
Genomic context (GRCh38, chrX:101,407,751, plus strand): 5'-AGTACCCAATATCTGATACCTGATGCAGGAATCTGGCTCTTCCTGGCAGTCAAGGTTGCA[C>A]ATGAAGCGCTCCCAGTGCAGCCAGCCCATGGTAGGCGTCCTTGCCAATCCATTGTCCAGT-3'
Protein context (NP_000160.1, residues 41-61): TMGWLHWERF[Met51Ile]CNLDCQEEPD

ClinVar aggregate classification (germline): Likely pathogenic. Review status: criteria provided, multiple submitters, no conflicts (2 of 4 stars). 2 submissions from 2 submitters: Likely pathogenic (2). Last evaluated 2026-09-08.

Conditions:
Fabry disease. Also called: GLA DEFICIENCY; HEREDITARY DYSTOPIC LIPIDOSIS; Fabry's disease; Angiokeratoma corporis diffusum; Ceramide trihexosidosis; ALPHA-GALACTOSIDASE A DEFICIENCY. Identifiers: Orphanet 324, MedGen C0002986, MONDO:0010526, OMIM 301500, HP:0001071. Disease mechanism: loss of function, Fabry disease is due to inactivating mutations in the X-linked GLA gene resulting in deficiency of the enzyme Alpha Galactosidase-A..

Submissions (2):

Genomenon, Inc
Classification: Likely pathogenic for Fabry disease. Last evaluated: 2026-09-08. Review status: criteria provided, single submitter. Criteria: Genomenon Sequence Variant Interpretation Standards - Updated. Collection method: curation. Allele origin: germline. Affected: no.
Comment: GLA p.Met51Ile (c.153G>T) is a missense variant that changes the amino acid at codon 51 from Methionine to Isoleucine. This variant has been reported in the published literature (PMID:34877240). Another cDNA change that causes the same protein consequence has been determined to be pathogenic or likely pathogenic. This variant is located in a mutational hotspot and/or important functional domain. It is absent or not present at a significant frequency in gnomAD. In conclusion, we classify GLA p.Met51Ile (c.153G>T) as a likely pathogenic variant.

Women's Health and Genetics/Laboratory Corporation of America, LabCorp
Classification: Likely pathogenic for Fabry disease. Last evaluated: 2019-03-14. Review status: criteria provided, single submitter. Criteria: LabCorp Variant Classification Summary - May 2015. Collection method: clinical testing. Allele origin: germline.
Comment: Variant summary: GLA c.153G>T (p.Met51Ile) results in a conservative amino acid change in the encoded protein sequence. Three of five in-silico tools predict a damaging effect of the variant on protein function. The variant was absent in 178708 control chromosomes (ACMG PM2). c.153G>T has not been reported in the literature in individuals affected with Fabry Disease, however a different nucleotide change (c.153G>A) resulting in the same amino acid change as the variant of interest (M51I) has been reported in the literature. Additonally, one neonatal patient has been reported with the variant who had absent a-Gal activity (Spada_2006). Variability in organ involvement and disease severity in patients with this variant has been reported in the literature. These data indicate that the variant M51I is likely to be associated with disease. According to ACMG guidelines, the same amino acid change as a previously established pathogenic variant can be used as strong evidence for pathogenicity (ACMG PS1). In vitro studies report the variant to have a-Gal activity ranging from 20-40% in cell lines, however the variant was also shown to negatively impact protein stability (Spada_2006, Tsukimura_2011, Lukas_2013). These in vitro studies have also shown the mutant enzyme activity and stability to be improved by treatment with 1-deoxygalactonojirimycin (DGJ) (ACMG PS3 not applied to avoid double ascertainment due to ACMG PS1 applied earlier). Additionally, the variant was described as amenable to therapy based on an in vitro assay, according to Galafold (migalastat) insert, which is an FDA approved therapy for Fabry disease. However, the insert also states that the inclusion of a variant in this category does not reflect intepretation of clinical significance in Fabry disease. No clinical diagnostic laboratories have submitted clinical-significance assessments for this variant to ClinVar after 2014. Based on the evidence outlined above, the variant was classified as likely pathogenic.

Literature cited by the submitters: PubMed 34877240 (cited by Genomenon, Inc); PubMed 23935525 (cited by Women's Health and Genetics/Laboratory Corporation of America, LabCorp); PubMed 16773563 (cited by Women's Health and Genetics/Laboratory Corporation of America, LabCorp); PubMed 25977923 (cited by Women's Health and Genetics/Laboratory Corporation of America, LabCorp); PubMed 21353612 (cited by Women's Health and Genetics/Laboratory Corporation of America, LabCorp).